The following is an entry in ClinVar:

ClinVar aggregate classification (germline): Uncertain significance (1 of 4 stars; one submission).

Conditions:
Hypertrophic cardiomyopathy. Also called: HYPERTROPHIC MYOCARDIOPATHY. Identifiers: Orphanet 217569, MedGen C0007194, MeSH D002312, MONDO:0005045, HP:0001639.

Submission:

Labcorp Genetics (formerly Invitae), Labcorp
Classification: Uncertain significance for Hypertrophic cardiomyopathy. Last evaluated: 2025-08-18. Review status: criteria provided, single submitter. Criteria: Invitae Variant Classification Sherloc (09022015). Collection method: clinical testing. Allele origin: germline.
Comment: This sequence change replaces arginine, which is basic and polar, with proline, which is neutral and non-polar, at codon 23 of the MYH7 protein (p.Arg23Pro). This variant is not present in population databases (gnomAD no frequency). This variant has not been reported in the literature in individuals affected with MYH7-related conditions. Invitae Evidence Modeling of protein sequence and biophysical properties (such as structural, functional, and spatial information, amino acid conservation, physicochemical variation, residue mobility, and thermodynamic stability) indicates that this missense variant is expected to disrupt MYH7 protein function with a positive predictive value of 95%. In summary, the available evidence is currently insufficient to determine the role of this variant in disease. Therefore, it has been classified as a Variant of Uncertain Significance.

NM_000257.4(MYH7):c.68G>C (p.Arg23Pro)

Gene: MYH7 (myosin heavy chain 7; minus strand). Cytogenetic location: 14q11.2.
Variant type: single nucleotide variant.
Coding change: c.68G>C on transcript NM_000257.4 (MANE Select); coding-DNA position 68, G replaced by C.
Protein change: p.Arg23Pro; replaces arginine 23 with proline.
Molecular consequence: missense variant.
Genome position (GRCh38, 1-based): chr14:23,433,665, C>G on the plus strand (G>C on the coding strand, the complement: MYH7 is on the minus strand). VCF-style: chr14-23433665-C-G. GRCh37 (hg19) VCF-style: chr14-23902874-C-G.
Other names: c.68G>C, p.Arg23Pro (NM_001407004.1); short protein forms R23P.
Identifiers: ClinVar variation 4754888 (VCV004754888.1).